The following is an entry in ClinVar:

ClinVar aggregate classification (germline): Uncertain significance. Review status: criteria provided, multiple submitters, no conflicts (2 of 4 stars). 2 submissions from 2 submitters: Uncertain significance (2). Last evaluated 2025-11-06.

Conditions:
Inborn genetic diseases. Identifiers: MedGen C0950123, MeSH D030342.

Allele frequency attached by ClinVar (database versions not stated): ExAC 0.00001; gnomAD exomes 0.00001.
gnomAD v4.1: 9 of 1,604,592 alleles (0.00056%); highest among the groups gnomAD compares: Non-Finnish European, 0.00077%; no homozygotes.

Submissions (2):

Ambry Genetics
Classification: Uncertain significance for Inborn genetic diseases. Last evaluated: 2025-11-06. Review status: criteria provided, single submitter. Criteria: Ambry Variant Classification Scheme 2023. Collection method: clinical testing. Allele origin: germline.

Labcorp Genetics (formerly Invitae), Labcorp
Classification: Uncertain significance. Last evaluated: 2021-07-28. Review status: criteria provided, single submitter. Criteria: Invitae Variant Classification Sherloc (09022015). Collection method: clinical testing. Allele origin: germline.
Comment: Algorithms developed to predict the effect of missense changes on protein structure and function are either unavailable or do not agree on the potential impact of this missense change (SIFT: "Deleterious"; PolyPhen-2: "Benign"; Align-GVGD: "Class C15"). This variant has not been reported in the literature in individuals affected with MYSM1-related conditions. In summary, the available evidence is currently insufficient to determine the role of this variant in disease. Therefore, it has been classified as a Variant of Uncertain Significance. This variant is present in population databases (rs752369998, ExAC 0.002%). This sequence change replaces leucine with serine at codon 32 of the MYSM1 protein (p.Leu32Ser). The leucine residue is moderately conserved and there is a large physicochemical difference between leucine and serine.

NM_001085487.3(MYSM1):c.95T>C (p.Leu32Ser)

Gene: MYSM1 (Myb like, SWIRM and MPN domains 1; minus strand). Cytogenetic location: 1p32.1.
Variant type: single nucleotide variant.
Coding change: c.95T>C on transcript NM_001085487.3 (MANE Select); coding-DNA position 95, T replaced by C.
Protein change: p.Leu32Ser; replaces leucine 32 with serine.
Molecular consequence: missense variant.
Genome position (GRCh38, 1-based): chr1:58,695,181, A>G on the plus strand (T>C on the coding strand, the complement: MYSM1 is on the minus strand). VCF-style: chr1-58695181-A-G. GRCh37 (hg19) VCF-style: chr1-59160853-A-G.
Other names: c.95T>C (NM_001085487.2); short protein forms L32S.
Identifiers: ClinVar variation 1512755 (VCV001512755.7), dbSNP rs752369998, ClinGen allele CA878159.